The following is an entry in ClinVar:

NM_012338.4(TSPAN12):c.151G>A (p.Val51Ile)

Gene: TSPAN12 (tetraspanin 12; minus strand). Cytogenetic location: 7q31.31.
Variant type: single nucleotide variant.
Coding change: c.151G>A on transcript NM_012338.4 (MANE Select); coding-DNA position 151, G replaced by A.
Protein change: p.Val51Ile; replaces valine 51 with isoleucine.
Molecular consequence: missense variant.
Genome position (GRCh38, 1-based): chr7:120,838,911, C>T on the plus strand (G>A on the coding strand, the complement: TSPAN12 is on the minus strand). VCF-style: chr7-120838911-C-T. GRCh37 (hg19) VCF-style: chr7-120478965-C-T.
Other names: short protein forms V51I.
Identifiers: ClinVar variation 2036201 (VCV002036201.4), dbSNP rs776239832, ClinGen allele CA4453977.

ClinVar aggregate classification (germline): Uncertain significance (1 of 4 stars; one submission).

Allele frequency attached by ClinVar (database versions not stated): ExAC 0.00001; gnomAD 0.00001.
gnomAD v4.1: 4 of 1,613,686 alleles (0.00025%); highest among the groups gnomAD compares: South Asian, 0.0011%; no homozygotes.

Submission:

Labcorp Genetics (formerly Invitae), Labcorp
Classification: Uncertain significance. Last evaluated: 2022-03-04. Review status: criteria provided, single submitter. Criteria: Invitae Variant Classification Sherloc (09022015). Collection method: clinical testing. Allele origin: germline.
Comment: This sequence change replaces valine, which is neutral and non-polar, with isoleucine, which is neutral and non-polar, at codon 51 of the TSPAN12 protein (p.Val51Ile). This variant is present in population databases (rs776239832, gnomAD 0.0009%). This variant has not been reported in the literature in individuals affected with TSPAN12-related conditions. Algorithms developed to predict the effect of missense changes on protein structure and function (SIFT, PolyPhen-2, Align-GVGD) all suggest that this variant is likely to be tolerated. In summary, the available evidence is currently insufficient to determine the role of this variant in disease. Therefore, it has been classified as a Variant of Uncertain Significance.